The following is an entry in ClinVar:

ClinVar aggregate classification (germline): Uncertain significance (1 of 4 stars; one submission).

gnomAD v4.1: 1 of 1,614,068 alleles (0.000062%); highest among the groups gnomAD compares: Non-Finnish European, 0.000085%; no homozygotes.

Submission:

Labcorp Genetics (formerly Invitae), Labcorp
Classification: Uncertain significance. Last evaluated: 2021-11-14. Review status: criteria provided, single submitter. Criteria: Invitae Variant Classification Sherloc (09022015). Collection method: clinical testing. Allele origin: germline.
Comment: This sequence change replaces tyrosine, which is neutral and polar, with cysteine, which is neutral and slightly polar, at codon 266 of the GPD1 protein (p.Tyr266Cys). This variant is not present in population databases (gnomAD no frequency). This variant has not been reported in the literature in individuals affected with GPD1-related conditions. Algorithms developed to predict the effect of missense changes on protein structure and function are either unavailable or do not agree on the potential impact of this missense change (SIFT: "Tolerated"; PolyPhen-2: "Probably Damaging"; Align-GVGD: "Class C0"). In summary, the available evidence is currently insufficient to determine the role of this variant in disease. Therefore, it has been classified as a Variant of Uncertain Significance.

NM_005276.4(GPD1):c.797A>G (p.Tyr266Cys)

Gene: GPD1 (glycerol-3-phosphate dehydrogenase 1; plus strand). Cytogenetic location: 12q13.12.
Variant type: single nucleotide variant.
Coding change: c.797A>G on transcript NM_005276.4 (MANE Select); coding-DNA position 797, A replaced by G.
Protein change: p.Tyr266Cys; replaces tyrosine 266 with cysteine.
Molecular consequence: missense variant.
Genome position (GRCh38, 1-based): chr12:50,107,751, A>G. VCF-style: chr12-50107751-A-G. GRCh37 (hg19) VCF-style: chr12-50501534-A-G.
Other names: c.728A>G, p.Tyr243Cys (NM_001257199.2); short protein forms Y266C, Y243C.
Identifiers: ClinVar variation 1368996 (VCV001368996.6), dbSNP rs1592302923, ClinGen allele CA384801805.
Genomic context (GRCh38, chr12:50,107,751, plus strand): 5'-CTGTGTCCTCTGCCACCTTCTTGGAGAGCTGTGGTGTTGCTGACCTGATCACTACCTGCT[A>G]TGGAGGGCGGAACCGGAAAGTGGCTGAGGCCTTTGCGCGTACAGGAAAGGTGGGCCCCGG-3'
Protein context (NP_005267.2, residues 256-276): CGVADLITTC[Tyr266Cys]GGRNRKVAEA